The following is an entry in ClinVar:

NM_022455.5(NSD1):c.6850G>T (p.Glu2284Ter)

Gene: NSD1 (nuclear receptor binding SET domain protein 1; plus strand). Cytogenetic location: 5q35.3.
Variant type: single nucleotide variant.
Coding change: c.6850G>T on transcript NM_022455.5 (MANE Select); coding-DNA position 6850, G replaced by T.
Protein change: p.Glu2284Ter; replaces glutamic acid 2284 with a stop codon.
Molecular consequence: nonsense.
Genome position (GRCh38, 1-based): chr5:177,294,218, G>T. VCF-style: chr5-177294218-G-T. GRCh37 (hg19) VCF-style: chr5-176721219-G-T.
Other names: c.5977G>T, p.Glu1993Ter (NM_001365684.2, NM_172349.5, NM_001409308.1); c.6850G>T, p.Glu2284Ter (NM_001409301.1, NM_001409302.1, NM_001409303.1); c.6430G>T, p.Glu2144Ter (NM_001409304.1); c.6097G>T, p.Glu2033Ter (NM_001409305.1); c.6088G>T, p.Glu2030Ter (NM_001409306.1, NM_001409307.1); c.5728G>T, p.Glu1910Ter (NM_001409309.1); short protein forms E2015*, E2033*, E2284*, E2030*, E1910*, E1993*, E2144*.
Identifiers: ClinVar variation 2105435 (VCV002105435.4), dbSNP rs2480830681, ClinGen allele CA362326430.

ClinVar aggregate classification (germline): Pathogenic (1 of 4 stars; one submission).

Submission:

Labcorp Genetics (formerly Invitae), Labcorp
Classification: Pathogenic. Last evaluated: 2022-08-21. Review status: criteria provided, single submitter. Criteria: Invitae Variant Classification Sherloc (09022015). Collection method: clinical testing. Allele origin: germline.
Comment: This sequence change creates a premature translational stop signal (p.Glu2284*) in the NSD1 gene. It is expected to result in an absent or disrupted protein product. Loss-of-function variants in NSD1 are known to be pathogenic (PMID: 12464997, 14571271, 15942875, 16247291). This variant is not present in population databases (gnomAD no frequency). This variant has not been reported in the literature in individuals affected with NSD1-related conditions. For these reasons, this variant has been classified as Pathogenic.

Literature cited by the submitters: PubMed 12464997; PubMed 14571271; PubMed 15942875; PubMed 16247291.